The following is an entry in ClinVar:

ClinVar aggregate classification (germline): Uncertain significance (1 of 4 stars; one submission).

Conditions:
Immunodeficiency, common variable, 10. Also called: IMMUNODEFICIENCY, COMMON VARIABLE, WITH CENTRAL ADRENAL INSUFFICIENCY; DEFICIT IN ANTERIOR PITUITARY FUNCTION AND VARIABLE IMMUNODEFICIENCY. Identifiers: MedGen C3809991, MONDO:0014260, OMIM 615577.

gnomAD v4.1: 12 of 1,613,736 alleles (0.00074%); highest among the groups gnomAD compares: Admixed American, 0.0017%; no homozygotes.

Submission:

Labcorp Genetics (formerly Invitae), Labcorp
Classification: Uncertain significance for Immunodeficiency, common variable, 10. Last evaluated: 2024-04-05. Review status: criteria provided, single submitter. Criteria: Invitae Variant Classification Sherloc (09022015). Collection method: clinical testing. Allele origin: germline.
Comment: This sequence change replaces arginine, which is basic and polar, with histidine, which is basic and polar, at codon 801 of the NFKB2 protein (p.Arg801His). This variant is present in population databases (rs779292652, gnomAD 0.01%). This variant has not been reported in the literature in individuals affected with NFKB2-related conditions. An algorithm developed to predict the effect of missense changes on protein structure and function (PolyPhen-2) suggests that this variant is likely to be disruptive. In summary, the available evidence is currently insufficient to determine the role of this variant in disease. Therefore, it has been classified as a Variant of Uncertain Significance.

NM_001322934.2(NFKB2):c.2402G>A (p.Arg801His)

Gene: NFKB2 (nuclear factor kappa B subunit 2; plus strand). Cytogenetic location: 10q24.32.
Variant type: single nucleotide variant.
Coding change: c.2402G>A on transcript NM_001322934.2 (MANE Select); coding-DNA position 2402, G replaced by A.
Protein change: p.Arg801His; replaces arginine 801 with histidine.
Molecular consequence: missense variant.
Genome position (GRCh38, 1-based): chr10:102,401,853, G>A. VCF-style: chr10-102401853-G-A. GRCh37 (hg19) VCF-style: chr10-104161610-G-A.
Other names: c.2402G>A, p.Arg801His (NM_001077494.3, NM_001261403.3, NM_001288724.1 and 1 more transcripts); c.2276G>A, p.Arg759His (NM_001322935.1); short protein forms R801H, R759H.
Identifiers: ClinVar variation 3682447 (VCV003682447.2).